The following is an entry in ClinVar:

NM_005267.5(GJA8):c.116C>A (p.Thr39Lys)

Gene: GJA8 (gap junction protein alpha 8; plus strand). Cytogenetic location: 1q21.2.
Variant type: single nucleotide variant.
Coding change: c.116C>A on transcript NM_005267.5 (MANE Select); coding-DNA position 116, C replaced by A.
Protein change: p.Thr39Lys; replaces threonine 39 with lysine.
Molecular consequence: missense variant.
Genome position (GRCh38, 1-based): chr1:147,908,071, C>A. VCF-style: chr1-147908071-C-A. GRCh37 (hg19) VCF-style: chr1-147380198-C-A.
Other names: short protein forms T39K.
Identifiers: ClinVar variation 2444115 (VCV002444115.25), dbSNP rs2524888892, ClinGen allele CA342223186.

ClinVar aggregate classification (germline): Likely pathogenic. Review status: criteria provided, multiple submitters, no conflicts (2 of 4 stars). 2 submissions from 2 submitters: Likely pathogenic (2). Last evaluated 2024-07-30.

Conditions:
Cataract 1 multiple types. Also called: CATARACT, DUFFY-LINKED; CATARACT 1, POSTERIOR SUBCAPSULAR, WITH MICROCORNEA; CATARACT 1, STELLATE NUCLEAR, WITH MICROCORNEA; CATARACT 1, MULTIPLE TYPES, WITH OR WITHOUT MICROCORNEA; CATARACT 1, NUCLEAR PROGRESSIVE; CATARACT 1 WITH MICROCORNEA. Identifiers: Orphanet 1377, MedGen C1861828, MONDO:0007285, OMIM 116200.

Submissions (2):

3billion
Classification: Likely pathogenic for Cataract 1 multiple types. Last evaluated: 2024-07-30. Review status: criteria provided, single submitter. Criteria: ACMG Guidelines, 2015. Collection method: clinical testing. Allele origin: germline. Affected: yes.
Comment: The variant is not observed in the gnomAD v4.0.0 dataset. The variant is located in a mutational hot spot and/or well-established functional domain in which established pathogenic variants have been reported. Missense changes are a common disease-causing mechanism. In silico tool predictions suggest damaging effect of the variant on gene or gene product [REVEL: 0.92 (>=0.6); 3Cnet: 0.93 (>=0.6)]. The same nucleotide change resulting in the same amino acid change (ClinVar ID: VCV002444115), and a different missense change at the same codon (p.Thr39Arg) has been reported to be associated with GJA8-related disorder (PMID: 21686328). Therefore, this variant is classified as likely pathogenic according to the recommendation of ACMG/AMP guideline.

CeGaT Center for Human Genetics Tuebingen
Classification: Likely pathogenic. Last evaluated: 2023-11-01. Review status: criteria provided, single submitter. Criteria: CeGaT Center For Human Genetics Tuebingen Variant Classification Criteria Version 2. Collection method: clinical testing. Allele origin: germline. Affected: yes. Observed: 1 variant allele.
Comment: GJA8: PM1, PM2, PM5:Supporting, PP3